The following is an entry in ClinVar:

ClinVar aggregate classification (germline): Likely benign (0 of 4 stars; one submission).

Conditions:
APOE-related disorder. Also called: APOE-related condition.

gnomAD v4.1: 37 of 1,596,030 alleles (0.0023%); highest among the groups gnomAD compares: African/African-American, 0.023%; no homozygotes.

Submission:

PreventionGenetics, part of Exact Sciences
Classification: Likely benign for APOE-related condition. Last evaluated: 2024-08-28. Review status: no assertion criteria provided. Collection method: clinical testing. Allele origin: germline.
Comment: This variant is classified as likely benign based on ACMG/AMP sequence variant interpretation guidelines (Richards et al. 2015 PMID: 25741868, with internal and published modifications).

NM_000041.4(APOE):c.*5C>T

Gene: APOE (apolipoprotein E; plus strand). Cytogenetic location: 19q13.32.
Variant type: single nucleotide variant.
Coding change: c.*5C>T on transcript NM_000041.4 (MANE Select); 5 bases downstream of the stop codon, C replaced by T.
Molecular consequence: 3 prime UTR variant.
Genome position (GRCh38, 1-based): chr19:44,909,255, C>T. VCF-style: chr19-44909255-C-T. GRCh37 (hg19) VCF-style: chr19-45412512-C-T.
Other names: c.*5C>T (NM_001302688.2, NM_001302689.2, NM_001302690.2 and 1 more transcripts).
Identifiers: ClinVar variation 3350760 (VCV003350760.1).
Genomic context (GRCh38, chr19:44,909,255, plus strand): 5'-AGGTGCAGGCTGCCGTGGGCACCAGCGCCGCCCCTGTGCCCAGCGACAATCACTGAACGC[C>T]GAAGCCTGCAGCCATGCGACCCCACGCCACCCCGTGCCTCCTGCCTCCGCGCAGCCTGCA-3'